The following is an entry in ClinVar:

ClinVar aggregate classification (germline): Uncertain significance. Review status: criteria provided, multiple submitters, no conflicts (2 of 4 stars). 2 submissions from 2 submitters: Uncertain significance (2). Last evaluated 2024-02-14.

Submissions (2):

Blueprint Genetics
Classification: Uncertain significance. Last evaluated: 2024-02-14. Review status: criteria provided, single submitter. Criteria: ACMG Guidelines, 2015. Collection method: clinical testing. Allele origin: germline.

GeneDx
Classification: Uncertain significance. Last evaluated: 2024-02-14. Review status: criteria provided, single submitter. Criteria: GeneDx Variant Classification Process June 2021. Collection method: clinical testing. Allele origin: germline. Affected: yes.
Comment: Not observed at significant frequency in large population cohorts (gnomAD); In silico analysis supports that this missense variant has a deleterious effect on protein structure/function; Has not been previously published as pathogenic or benign to our knowledge

NM_001009944.3(PKD1):c.4826T>G (p.Ile1609Ser)

Gene: PKD1 (polycystin 1, transient receptor potential channel interacting; minus strand). Cytogenetic location: 16p13.3.
Variant type: single nucleotide variant.
Coding change: c.4826T>G on transcript NM_001009944.3 (MANE Select); coding-DNA position 4826, T replaced by G.
Protein change: p.Ile1609Ser; replaces isoleucine 1609 with serine.
Molecular consequence: missense variant.
Genome position (GRCh38, 1-based): chr16:2,110,341, A>C on the plus strand (T>G on the coding strand, the complement: PKD1 is on the minus strand). VCF-style: chr16-2110341-A-C. GRCh37 (hg19) VCF-style: chr16-2160342-A-C.
Other names: c.4826T>G, p.Ile1609Ser (NM_000296.4); short protein forms I1609S.
Identifiers: ClinVar variation 3369145 (VCV003369145.2).
Genomic context (GRCh38, chr16:2,110,341, plus strand): 5'-AGGACATAGACGAAGATGCTGTCCTGGGCGGAGCCCACCTCGTTCTCAGCCGTGACGATG[A>C]TATTGAAGGTGCCCACGGAGCGGAAGGTGTAAGAGATGGTAGGACCCCCAGGGATGGGCG-3'
Protein context (NP_001009944.3, residues 1599-1619): YTFRSVGTFN[Ile1609Ser]IVTAENEVGS